The following is an entry in ClinVar:

ClinVar aggregate classification (germline): Pathogenic (1 of 4 stars; one submission).

Submission:

Labcorp Genetics (formerly Invitae), Labcorp
Classification: Pathogenic. Last evaluated: 2025-09-14. Review status: criteria provided, single submitter. Criteria: Invitae Variant Classification Sherloc (09022015). Collection method: clinical testing. Allele origin: germline.
Comment: This sequence change creates a premature translational stop signal (p.Glu278*) in the KIAA0753 gene. It is expected to result in an absent or disrupted protein product. Loss-of-function variants in KIAA0753 are known to be pathogenic (PMID: 29138412). This variant is not present in population databases (gnomAD no frequency). This variant has not been reported in the literature in individuals affected with KIAA0753-related conditions. Algorithms developed to predict the effect of sequence changes on RNA splicing suggest that this variant may disrupt the consensus splice site. For these reasons, this variant has been classified as Pathogenic.

Literature cited by the submitters: PubMed 29138412.

NM_014804.3(KIAA0753):c.832G>T (p.Glu278Ter)

Gene: KIAA0753 (KIAA0753; minus strand). Cytogenetic location: 17p13.1.
Variant type: single nucleotide variant.
Coding change: c.832G>T on transcript NM_014804.3 (MANE Select); coding-DNA position 832, G replaced by T.
Protein change: p.Glu278Ter; replaces glutamic acid 278 with a stop codon.
Molecular consequence: nonsense. On other transcripts: non-coding transcript variant (1), intron variant (1).
Genome position (GRCh38, 1-based): chr17:6,623,565, C>A on the plus strand (G>T on the coding strand, the complement: KIAA0753 is on the minus strand). VCF-style: chr17-6623565-C-A. GRCh37 (hg19) VCF-style: chr17-6526885-C-A.
Other names: c.-10+42G>T (NM_001351225.2); short protein forms E278*.
Identifiers: ClinVar variation 4809525 (VCV004809525.1).